The following is an entry in ClinVar:

NC_012920.1(MT-CO3):m.9922C>T

Gene: MT-CO3 (mitochondrially encoded cytochrome c oxidase III; plus strand).
Variant type: single nucleotide variant.
Genome position: chrM-9922-C-T.
Identifiers: ClinVar variation 693249 (VCV000693249.1), dbSNP rs1603222583, ClinGen allele CA414804012.

ClinVar aggregate classification (germline): Likely benign (1 of 4 stars; one submission).

Conditions:
Leigh syndrome (NULS). Also called: Leigh's necrotizing encephalopathy; Leigh's disease; Leigh Syndrome (mtDNA deletion); Leigh Disease; Subacute necrotizing encephalopathy; Necrotizing encephalopathy infantile subacute of Leigh. Identifiers: Orphanet 506, MedGen C2931891, MONDO:0009723, OMIM 256000.

Submission:

Wong Mito Lab, Molecular and Human Genetics, Baylor College of Medicine
Classification: Likely benign for Leigh syndrome. Last evaluated: 2019-10-17. Review status: criteria provided, single submitter. Criteria: Modified ACMG Guidelines (Unpublished). Collection method: clinical testing. Allele origin: germline.
Comment: The NC_012920.1:m.9922C>T (YP_003024032.1:p.Ala239Val) variant in MTCO3 gene is interpretated to be a Likely Benign variant based on the modified ACMG guidelines (unpublished). This variant meets the following evidence codes: BP4, BP5